The following is an entry in ClinVar:

ClinVar aggregate classification (germline): Uncertain significance. Review status: criteria provided, multiple submitters, no conflicts (2 of 4 stars). 5 submissions from 5 submitters: Uncertain significance (5). Last evaluated 2022-12-07.

Conditions:
Inborn genetic diseases. Identifiers: MedGen C0950123, MeSH D030342.
Yunis-Varon syndrome (YVS). Also called: Cleidocranial dysplasia, micrognathia, absent thumbs, & distal aphalangia. Identifiers: Orphanet 3472, MedGen C1857663, MONDO:0008995, OMIM 216340.
Amyotrophic lateral sclerosis type 11 (ALS11). Identifiers: Orphanet 803, MedGen C2675491, MONDO:0012945, OMIM 612577.
Charcot-Marie-Tooth disease type 4J (CMT4J). Also called: Charcot-Marie-Tooth Neuropathy Type 4J; CHARCOT-MARIE-TOOTH DISEASE, DEMYELINATING, TYPE 4J; CHARCOT-MARIE-TOOTH DISEASE, AUTOSOMAL RECESSIVE, TYPE 4J. Identifiers: Orphanet 139515, MedGen C1970011, MONDO:0012640, OMIM 611228.
Bilateral parasagittal parieto-occipital polymicrogyria. Also called: Polymicrogyria, bilateral temporooccipital. Identifiers: Orphanet 208441, MedGen C4013648, MONDO:0012986, OMIM 612691.
Charcot-Marie-Tooth disease type 4. Also called: Charcot-Marie-Tooth, Type 4; Charcot-Marie-Tooth disease, type IV. Identifiers: Orphanet 64749, MedGen C4082197, MONDO:0018995.

Allele frequency attached by ClinVar (database versions not stated): gnomAD exomes 0.00001 and 0.00008; ExAC 0.00002; gnomAD 0.00003; TOPMed 0.00003; ESP Exome Variant Server 0.00015.
gnomAD v4.1: 115 of 1,613,792 alleles (0.0071%); highest among the groups gnomAD compares: Non-Finnish European, 0.0093%; no homozygotes.

Submissions (5):

GeneDx
Classification: Uncertain significance. Last evaluated: 2022-12-07. Review status: criteria provided, single submitter. Criteria: GeneDx Variant Classification Process June 2021. Collection method: clinical testing. Allele origin: germline. Affected: yes.
Comment: Identified in the single heterozygous state in two individuals with unspecified Charcot-Marie-Tooth disease (Nicholson et al., 2011); Not observed at significant frequency in large population cohorts (gnomAD); In silico analysis supports that this missense variant does not alter protein structure/function; This variant is associated with the following publications: (PMID: 21705420)

Labcorp Genetics (formerly Invitae), Labcorp
Classification: Uncertain significance for Charcot-Marie-Tooth disease type 4. Last evaluated: 2022-04-13. Review status: criteria provided, single submitter. Criteria: Invitae Variant Classification Sherloc (09022015). Collection method: clinical testing. Allele origin: germline.
Comment: This sequence change replaces serine, which is neutral and polar, with asparagine, which is neutral and polar, at codon 787 of the FIG4 protein (p.Ser787Asn). This variant is present in population databases (rs377017892, gnomAD 0.003%). This missense change has been observed in individual(s) with Charcot-Marie-Tooth disease (PMID: 21705420). ClinVar contains an entry for this variant (Variation ID: 585870). Algorithms developed to predict the effect of missense changes on protein structure and function (SIFT, PolyPhen-2, Align-GVGD) all suggest that this variant is likely to be tolerated. In summary, the available evidence is currently insufficient to determine the role of this variant in disease. Therefore, it has been classified as a Variant of Uncertain Significance.

Fulgent Genetics
Classification: Uncertain significance for Yunis-Varon syndrome; Charcot-Marie-Tooth disease type 4J; Amyotrophic lateral sclerosis type 11; Bilateral parasagittal parieto-occipital polymicrogyria. Last evaluated: 2022-04-06. Review status: criteria provided, single submitter. Criteria: ACMG Guidelines, 2015. Collection method: clinical testing. Allele origin: unknown.

Ambry Genetics
Classification: Uncertain significance for Inborn genetic diseases. Last evaluated: 2019-08-30. Review status: criteria provided, single submitter. Criteria: Ambry Variant Classification Scheme 2023. Collection method: clinical testing. Allele origin: germline.
Comment: The p.S787N variant (also known as c.2360G>A), located in coding exon 20 of the FIG4 gene, results from a G to A substitution at nucleotide position 2360. The serine at codon 787 is replaced by asparagine, an amino acid with highly similar properties. This nucleotide position is not well conserved in available vertebrate species. This amino acid position is well conserved in available vertebrate species. In addition, this alteration is predicted to be tolerated by in silico analysis. Since supporting evidence is limited at this time, the clinical significance of this alteration remains unclear.

Athena Diagnostics
Classification: Uncertain significance. Last evaluated: 2018-04-05. Review status: criteria provided, single submitter. Criteria: Athena Diagnostics Criteria. Collection method: clinical testing. Allele origin: germline.

Literature cited by the submitters: PubMed 21705420 (cited by Labcorp Genetics (formerly Invitae), Labcorp and Athena Diagnostics).

NM_014845.6(FIG4):c.2360G>A (p.Ser787Asn)

Gene: FIG4 (FIG4 phosphoinositide 5-phosphatase; plus strand). Cytogenetic location: 6q21.
Variant type: single nucleotide variant.
Coding change: c.2360G>A on transcript NM_014845.6 (MANE Select); coding-DNA position 2360, G replaced by A.
Protein change: p.Ser787Asn; replaces serine 787 with asparagine.
Molecular consequence: missense variant.
Genome position (GRCh38, 1-based): chr6:109,791,555, G>A. VCF-style: chr6-109791555-G-A. GRCh37 (hg19) VCF-style: chr6-110112758-G-A.
Other names: short protein forms S787N.
Identifiers: ClinVar variation 585870 (VCV000585870.10), dbSNP rs377017892, ClinGen allele CA3956355.
Genomic context (GRCh38, chr6:109,791,555, plus strand): 5'-AAGAAGAGGGCTCTGTGTCTCAGCGCTCCACTCCCGTGAAGATGACTGATGCAGGAGACA[G>A]TGCCAAAGTGACCGAGGTGCGGGGGAGGGAAGCCTGTGGCATCCAGCCTGAAGCCCTGGA-3'
Protein context (NP_055660.1, residues 777-797): TPVKMTDAGD[Ser787Asn]AKVTENVVQP